The following is an entry in ClinVar:

ClinVar aggregate classification (germline): Likely benign. Review status: criteria provided, multiple submitters, no conflicts (2 of 4 stars). 6 submissions from 6 submitters: Likely benign (5). 1 of the submissions does not count toward it. Last evaluated 2025-12-24.

Conditions:
RASopathy. Also called: Noonan spectrum disorder; rasopathies. Identifiers: Orphanet 536391, MedGen C5555857, MONDO:0021060.
Cardiovascular phenotype. Identifiers: MedGen CN230736.
MAP2K2-related disorder. Also called: MAP2K2-related condition.

Allele frequency attached by ClinVar (database versions not stated): gnomAD exomes 0.00002; ExAC 0.00003; TOPMed 0.00006; gnomAD 0.00007 and 0.00009; ESP Exome Variant Server 0.00008.
gnomAD v4.1: 42 of 1,603,364 alleles (0.0026%); highest among the groups gnomAD compares: African/African-American, 0.012%; no homozygotes.

Submissions (6):

Labcorp Genetics (formerly Invitae), Labcorp
Classification: Likely benign for RASopathy. Last evaluated: 2025-12-24. Review status: criteria provided, single submitter. Criteria: Invitae Variant Classification Sherloc (09022015). Collection method: clinical testing. Allele origin: germline.

CeGaT Center for Human Genetics Tuebingen
Classification: Likely benign. Last evaluated: 2025-05-01. Review status: criteria provided, single submitter. Criteria: CeGaT Center For Human Genetics Tuebingen Variant Classification Criteria Version 2. Collection method: clinical testing. Allele origin: germline. Affected: yes. Observed: 1 variant allele.
Comment: MAP2K2: BP4, BP7

Blueprint Genetics
Classification: Likely benign. Last evaluated: 2024-08-09. Review status: criteria provided, single submitter. Criteria: ACMG Guidelines, 2015. Collection method: clinical testing. Allele origin: germline.

Ambry Genetics
Classification: Likely benign for Cardiovascular phenotype. Last evaluated: 2019-11-04. Review status: criteria provided, single submitter. Criteria: Ambry Variant Classification Scheme 2023. Collection method: clinical testing. Allele origin: germline.

GeneDx
Classification: Likely benign. Last evaluated: 2017-05-05. Review status: criteria provided, single submitter. Criteria: GeneDx Variant Classification (06012015). Collection method: clinical testing. Allele origin: germline. Affected: yes.
Comment: This variant is considered likely benign or benign based on one or more of the following criteria: it is a conservative change, it occurs at a poorly conserved position in the protein, it is predicted to be benign by multiple in silico algorithms, and/or has population frequency not consistent with disease.

PreventionGenetics, part of Exact Sciences
Classification: Likely benign for MAP2K2-related condition. Last evaluated: 2023-12-27. Review status: no assertion criteria provided. Collection method: clinical testing. Allele origin: germline. Not counted in ClinVar's aggregate classification.
Comment: This variant is classified as likely benign based on ACMG/AMP sequence variant interpretation guidelines (Richards et al. 2015 PMID: 25741868, with internal and published modifications).

NM_030662.4(MAP2K2):c.894G>A (p.Pro298=)

Gene: MAP2K2 (mitogen-activated protein kinase kinase 2; minus strand). Cytogenetic location: 19p13.3.
Variant type: single nucleotide variant.
Coding change: c.894G>A on transcript NM_030662.4 (MANE Select); coding-DNA position 894, G replaced by A.
Protein change: p.Pro298=; no amino-acid change (proline 298 retained).
Molecular consequence: synonymous variant.
Genome position (GRCh38, 1-based): chr19:4,099,226, C>T on the plus strand (G>A on the coding strand, the complement: MAP2K2 is on the minus strand). VCF-style: chr19-4099226-C-T. GRCh37 (hg19) VCF-style: chr19-4099224-C-T.
Identifiers: ClinVar variation 516421 (VCV000516421.23), dbSNP rs374526051, ClinGen allele CA9090803.